The following is an entry in ClinVar:

ClinVar aggregate classification (germline): Benign. Review status: criteria provided, multiple submitters, no conflicts (2 of 4 stars). 17 submissions from 12 submitters: Benign (14). 3 of the submissions do not count toward it. Last evaluated 2026-05-08.

Conditions:
Fibrochondrogenesis 2 (FBCG2). Identifiers: Orphanet 2021, MedGen C3281128, MONDO:0013795, OMIM 614524.
Autosomal dominant nonsyndromic hearing loss 13. Identifiers: Orphanet 90635, MedGen C1866095, MONDO:0011159, OMIM 601868.
Autosomal recessive nonsyndromic hearing loss 53. Identifiers: Orphanet 90636, MedGen C1864746, MONDO:0012333, OMIM 609706.
Otospondylomegaepiphyseal dysplasia, autosomal recessive (OSMEDB). Also called: CHONDRODYSTROPHY WITH SENSORINEURAL DEAFNESS; Insley-Astley syndrome. Identifiers: Orphanet 1427, MedGen CN034493, MONDO:0044206, OMIM 215150.
Otospondylomegaepiphyseal dysplasia, autosomal dominant (OSMEDA). Also called: COL11A2-Related Stickler Syndrome; Stickler syndrome, type 3; Pierre Robin syndrome with fetal chondrodysplasia. Identifiers: Orphanet 166100, Orphanet 3450, MedGen C1848488, MONDO:0008490, OMIM 184840.

Allele frequency attached by ClinVar (database versions not stated): gnomAD exomes 0.44917 and 0.46000; ExAC 0.46421; gnomAD 0.50015 and 0.50179; TOPMed 0.50026; ESP Exome Variant Server 0.51176; 1000 Genomes Project 0.51238; 1000 Genomes Project 30x 0.51562.

Submissions (17):

Women's Health and Genetics/Laboratory Corporation of America, LabCorp
Classification: Benign. Last evaluated: 2026-05-08. Review status: criteria provided, single submitter. Criteria: LabCorp Variant Classification Summary - May 2015. Collection method: clinical testing. Allele origin: germline.

Labcorp Genetics (formerly Invitae), Labcorp
Classification: Benign. Last evaluated: 2026-02-04. Review status: criteria provided, single submitter. Criteria: Invitae Variant Classification Sherloc (09022015). Collection method: clinical testing. Allele origin: germline.

Blueprint Genetics
Classification: Benign. Last evaluated: 2024-11-27. Review status: criteria provided, single submitter. Criteria: ACMG Guidelines, 2015. Collection method: clinical testing. Allele origin: germline.

Genome-Nilou Lab
Classification: Benign for Autosomal dominant nonsyndromic hearing loss 13. Last evaluated: 2021-07-22. Review status: criteria provided, single submitter. Criteria: ACMG Guidelines, 2015. Collection method: clinical testing. Allele origin: germline. Affected: no.

Genome-Nilou Lab
Classification: Benign for Autosomal recessive nonsyndromic hearing loss 53. Last evaluated: 2021-07-22. Review status: criteria provided, single submitter. Criteria: ACMG Guidelines, 2015. Collection method: clinical testing. Allele origin: germline. Affected: no.

Genome-Nilou Lab
Classification: Benign for Fibrochondrogenesis 2. Last evaluated: 2021-07-22. Review status: criteria provided, single submitter. Criteria: ACMG Guidelines, 2015. Collection method: clinical testing. Allele origin: germline. Affected: no.

Genome-Nilou Lab
Classification: Benign for Otospondylomegaepiphyseal dysplasia, autosomal dominant. Last evaluated: 2021-07-22. Review status: criteria provided, single submitter. Criteria: ACMG Guidelines, 2015. Collection method: clinical testing. Allele origin: germline. Affected: no.

Genome-Nilou Lab
Classification: Benign for Otospondylomegaepiphyseal dysplasia, autosomal recessive. Last evaluated: 2021-07-22. Review status: criteria provided, single submitter. Criteria: ACMG Guidelines, 2015. Collection method: clinical testing. Allele origin: germline. Affected: no.

Mayo Clinic Laboratories, Mayo Clinic
Classification: Benign. Last evaluated: 2020-01-27. Review status: criteria provided, single submitter. Criteria: ACMG Guidelines, 2015. Collection method: clinical testing. Allele origin: germline. Observed: 112 variant alleles.

Illumina Laboratory Services, Illumina
Classification: Benign for Otospondylomegaepiphyseal dysplasia, autosomal recessive. Last evaluated: 2018-01-13. Review status: criteria provided, single submitter. Criteria: ICSL Variant Classification Criteria 13 December 2019. Collection method: clinical testing. Allele origin: germline.
Comment: This variant was observed in the ICSL laboratory as part of a predisposition screen in an ostensibly healthy population. It had not been previously curated by ICSL or reported in the Human Gene Mutation Database (HGMD: prior to June 1st, 2018), and was therefore a candidate for classification through an automated scoring system. Utilizing variant allele frequency, disease prevalence and penetrance estimates, and inheritance mode, an automated score was calculated to assess if this variant is too frequent to cause the disease. Based on the score and internal cut-off values, a variant classified as benign is not then subjected to further curation. The score for this variant resulted in a classification of benign for this disease.

Illumina Laboratory Services, Illumina
Classification: Benign for Fibrochondrogenesis 2. Last evaluated: 2018-01-13. Review status: criteria provided, single submitter. Criteria: ICSL Variant Classification Criteria 13 December 2019. Collection method: clinical testing. Allele origin: germline.
Comment: the same text as in the submission from Illumina Laboratory Services, Illumina above.

GeneDx
Classification: Benign. Last evaluated: 2016-09-29. Review status: criteria provided, single submitter. Criteria: GeneDx Variant Classification (06012015). Collection method: clinical testing. Allele origin: germline. Affected: yes.
Comment: This variant is considered likely benign or benign based on one or more of the following criteria: it is a conservative change, it occurs at a poorly conserved position in the protein, it is predicted to be benign by multiple in silico algorithms, and/or has population frequency not consistent with disease.

Laboratory for Molecular Medicine, Mass General Brigham Personalized Medicine
Classification: Benign. Last evaluated: 2012-05-07. Review status: criteria provided, single submitter. Criteria: LMM Criteria. Collection method: clinical testing. Allele origin: germline. Observed: 1,173 variant alleles.
Comment: "Pro1058Pro in Exon 43 of COL11A2: This variant is not expected to have clinical significance because it does not alter an amino acid residue, is not located wi thin the splice consensus sequence, and has been identified in 45.2% (3170/7020) of European American chromosomes from a broad population by the NHLBI Exome Seq uencing Project (dbSNP rs1799910)."

PreventionGenetics, part of Exact Sciences
Classification: Benign. Review status: criteria provided, single submitter. Criteria: ACMG Guidelines, 2015. Collection method: clinical testing. Allele origin: germline.

Diagnostic Laboratory, Department of Genetics, University Medical Center Groningen
Classification: Benign. Review status: no assertion criteria provided. Collection method: clinical testing. Allele origin: germline. Affected: yes. Study: VKGL Data-share Consensus. Not counted in ClinVar's aggregate classification.

Genome Diagnostics Laboratory, Amsterdam University Medical Center
Classification: Benign. Review status: no assertion criteria provided. Collection method: clinical testing. Allele origin: germline. Affected: yes. Study: VKGL Data-share Consensus. Not counted in ClinVar's aggregate classification.

Joint Genome Diagnostic Labs from Nijmegen and Maastricht, Radboudumc and MUMC+
Classification: Benign. Review status: no assertion criteria provided. Collection method: clinical testing. Allele origin: germline. Affected: yes. Study: VKGL Data-share Consensus. Not counted in ClinVar's aggregate classification.

NM_080680.3(COL11A2):c.3174G>A (p.Pro1058=)

Gene: COL11A2 (collagen type XI alpha 2 chain; minus strand). Cytogenetic location: 6p21.32.
Variant type: single nucleotide variant.
Coding change: c.3174G>A on transcript NM_080680.3 (MANE Select); coding-DNA position 3174, G replaced by A.
Protein change: p.Pro1058=; no amino-acid change (proline 1058 retained).
Molecular consequence: synonymous variant.
Genome position (GRCh38, 1-based): chr6:33,171,551, C>T on the plus strand (G>A on the coding strand, the complement: COL11A2 is on the minus strand). VCF-style: chr6-33171551-C-T. GRCh37 (hg19) VCF-style: chr6-33139328-C-T.
Other names: p.Pro1058=; c.2853G>A, p.Pro951= (NM_080679.3); c.2916G>A, p.Pro972= (NM_080681.3).
Identifiers: ClinVar variation 46565 (VCV000046565.29), dbSNP rs1799910, ClinGen allele CA138629.
Genomic context (GRCh38, chr6:33,171,551, plus strand): 5'-ACCTGGAGGCCCAGCAGGACCAGGAAGCCCCACAGGACCCTGCACTCCATCTCGGCCAGT[C>T]GGGCCAATGGGGCCCTTCTCACCCTGTGGGACAGGAGGAAGGAGTCATGGCCTGGAGGTG-3'
Protein context (NP_542411.2, residues 1048-1068): GVPGEKGPIG[Pro1058=]TGRDGVQGPV